The following is an entry in ClinVar:

NM_030787.4(CFHR5):c.1321C>T (p.Arg441Cys)

Gene: CFHR5 (complement factor H related 5; plus strand). Cytogenetic location: 1q31.3.
Variant type: single nucleotide variant.
Coding change: c.1321C>T on transcript NM_030787.4 (MANE Select); coding-DNA position 1321, C replaced by T.
Protein change: p.Arg441Cys; replaces arginine 441 with cysteine.
Molecular consequence: missense variant.
Genome position (GRCh38, 1-based): chr1:197,002,655, C>T. VCF-style: chr1-197002655-C-T. GRCh37 (hg19) VCF-style: chr1-196971785-C-T.
Other names: short protein forms R441C.
Identifiers: ClinVar variation 2664711 (VCV002664711.2), dbSNP rs769456068, ClinGen allele CA1308021.

ClinVar aggregate classification (germline): Uncertain significance. Review status: criteria provided, multiple submitters, no conflicts (2 of 4 stars). 2 submissions from 2 submitters: Uncertain significance (2). Last evaluated 2023-12-22.

Conditions:
CFHR5 deficiency. Identifiers: MedGen C3553720.
C3 glomerulonephritis. Also called: C3 GLOMERULOPATHY 3; Nephropathy due to CFHR5 Deficiency. Identifiers: Orphanet 329931, MedGen C4055342, MONDO:0013892, OMIM 614809.

Allele frequency attached by ClinVar (database versions not stated): gnomAD 0.00001; TOPMed 0.00002; ExAC 0.00007; gnomAD exomes 0.00007.
gnomAD v4.1: 96 of 1,611,920 alleles (0.006%); highest among the groups gnomAD compares: East Asian, 0.0089%; no homozygotes.

Submissions (2):

Fulgent Genetics
Classification: Uncertain significance for C3 glomerulonephritis. Last evaluated: 2023-12-22. Review status: criteria provided, single submitter. Criteria: ACMG Guidelines, 2015. Collection method: clinical testing. Allele origin: germline.

Genetics and Molecular Pathology, SA Pathology
Classification: Uncertain significance for C3 glomerulonephritis. Last evaluated: 2022-10-04. Review status: criteria provided, single submitter. Criteria: ACMG Guidelines, 2015. Collection method: clinical testing. Allele origin: germline. Inheritance: Autosomal dominant inheritance. Affected: yes.
Comment: The CFHR5 c.1321C>T variant is classified as VUS (PM2) The CFHR5 c.1321C>T variant is a single nucleotide change in exon 8/10 of the CFHR5 gene, which is predicted to change the amino acid arginine at position 441 in the protein to cysteine. The variant is rare in population databases (gnomAD allele frequency = 0.0013%; 2 het and 0 hom in 152104 sequenced alleles; highest frequency = 0.0029%, Non-Finnish European population) (PM2). The variant has been reported in dbSNP (rs769456068) and in the HGMD database as possibly disease causing (CM2020115). It has not been reported in ClinVar.

Literature cited by the submitters: PubMed 33213850 (cited by Genetics and Molecular Pathology, SA Pathology).